The following is an entry in ClinVar:

ClinVar aggregate classification (germline): Benign. Review status: criteria provided, multiple submitters, no conflicts (2 of 4 stars). 4 submissions from 4 submitters: Benign (3). 1 of the submissions does not count toward it. Last evaluated 2026-06-01.

Allele frequency attached by ClinVar (database versions not stated): 1000 Genomes Project 0.00300; 1000 Genomes Project 30x 0.00312; gnomAD 0.00792 and 0.00828; gnomAD exomes 0.00813 and 0.01192; ExAC 0.00843; TOPMed 0.00850; ESP Exome Variant Server 0.01163.
gnomAD v4.1: 18,584 of 1,608,936 alleles (1.2%); highest among the groups gnomAD compares: Non-Finnish European, 1.4%; 148 homozygotes.

Submissions (4):

CeGaT Center for Human Genetics Tuebingen
Classification: Benign. Last evaluated: 2026-06-01. Review status: criteria provided, single submitter. Criteria: CeGaT Center For Human Genetics Tuebingen Variant Classification Criteria Version 2. Collection method: clinical testing. Allele origin: germline. Affected: yes. Observed: 8 variant alleles.
Comment: NIN: BP4, BP7, BS1, BS2

Labcorp Genetics (formerly Invitae), Labcorp
Classification: Benign. Last evaluated: 2026-01-28. Review status: criteria provided, single submitter. Criteria: Invitae Variant Classification Sherloc (09022015). Collection method: clinical testing. Allele origin: germline.

Breakthrough Genomics
Classification: Benign. Review status: criteria provided, single submitter. Criteria: ACMG Guidelines, 2015. Collection method: not provided. Allele origin: germline. Inheritance: Autosomal recessive inheritance. Affected: yes.

Genetic Services Laboratory, University of Chicago
Classification: Likely benign for AllHighlyPenetrant. Review status: no assertion criteria provided. Collection method: clinical testing. Allele origin: germline. Inheritance: Autosomal recessive inheritance. Not counted in ClinVar's aggregate classification.
Comment: Likely benign based on allele frequency in 1000 Genomes Project or ESP global frequency and its presence in a patient with a rare or unrelated disease phenotype. NOT Sanger confirmed.

NM_020921.4(NIN):c.4674G>A (p.Thr1558=)

Gene: NIN (ninein; minus strand). Cytogenetic location: 14q22.1.
Variant type: single nucleotide variant.
Coding change: c.4674G>A on transcript NM_020921.4 (MANE Select); coding-DNA position 4674, G replaced by A.
Protein change: p.Thr1558=; no amino-acid change (threonine 1558 retained).
Molecular consequence: synonymous variant.
Genome position (GRCh38, 1-based): chr14:50,754,623, C>T on the plus strand (G>A on the coding strand, the complement: NIN is on the minus strand). VCF-style: chr14-50754623-C-T. GRCh37 (hg19) VCF-style: chr14-51221341-C-T.
Other names: c.2535G>A, p.Thr845= (NM_016350.5); c.4674G>A, p.Thr1558= (NM_182944.3, NM_182946.2).
Identifiers: ClinVar variation 129790 (VCV000129790.39), dbSNP rs45578537, ClinGen allele CA154095.